The following is an entry in ClinVar:

ClinVar aggregate classification (germline): Uncertain significance. Review status: criteria provided, multiple submitters, no conflicts (2 of 4 stars). 2 submissions from 2 submitters: Uncertain significance (2). Last evaluated 2025-06-27.

Allele frequency attached by ClinVar (database versions not stated): TOPMed 0.00005; ExAC 0.00004; gnomAD 0.00003; gnomAD exomes 0.00003.
gnomAD v4.1: 45 of 1,613,024 alleles (0.0028%); highest among the groups gnomAD compares: Admixed American, 0.017%; no homozygotes.

Submissions (2):

Labcorp Genetics (formerly Invitae), Labcorp
Classification: Uncertain significance. Last evaluated: 2025-06-27. Review status: criteria provided, single submitter. Criteria: Invitae Variant Classification Sherloc (09022015). Collection method: clinical testing. Allele origin: germline.
Comment: This sequence change replaces proline, which is neutral and non-polar, with leucine, which is neutral and non-polar, at codon 1813 of the FBN3 protein (p.Pro1813Leu). This variant is present in population databases (rs780932930, gnomAD 0.02%). This variant has not been reported in the literature in individuals affected with FBN3-related conditions. ClinVar contains an entry for this variant (Variation ID: 3093390). Invitae Evidence Modeling of protein sequence and biophysical properties (such as structural, functional, and spatial information, amino acid conservation, physicochemical variation, residue mobility, and thermodynamic stability) indicates that this missense variant is expected to disrupt FBN3 protein function with a positive predictive value of 80%. In summary, the available evidence is currently insufficient to determine the role of this variant in disease. Therefore, it has been classified as a Variant of Uncertain Significance.

Ambry Genetics
Classification: Uncertain significance. Last evaluated: 2023-12-26. Review status: criteria provided, single submitter. Criteria: Ambry Variant Classification Scheme 2023. Collection method: clinical testing. Allele origin: germline.

NM_032447.5(FBN3):c.5438C>T (p.Pro1813Leu)

Gene: FBN3 (fibrillin 3; minus strand). Cytogenetic location: 19p13.2.
Variant type: single nucleotide variant.
Coding change: c.5438C>T on transcript NM_032447.5 (MANE Select); coding-DNA position 5438, C replaced by T.
Protein change: p.Pro1813Leu; replaces proline 1813 with leucine.
Molecular consequence: missense variant.
Genome position (GRCh38, 1-based): chr19:8,096,545, G>A on the plus strand (C>T on the coding strand, the complement: FBN3 is on the minus strand). VCF-style: chr19-8096545-G-A. GRCh37 (hg19) VCF-style: chr19-8161429-G-A.
Other names: c.5438C>T, p.Pro1813Leu (NM_001321431.2); short protein forms P1813L.
Identifiers: ClinVar variation 3093390 (VCV003093390.3), dbSNP rs780932930, ClinGen allele CA9151650.
Genomic context (GRCh38, chr19:8,096,545, plus strand): 5'-TGACACAGACACATGTAGCTGCCTTCTGTGTCCATGCAGTCACCATGGCTACAGACATTC[G>A]GGATCTCCCGACACTCATTCCGTCCTGGGGGTGCAGAGAGCATGGTGTTCCCAGGGCTCC-3'
Protein context (NP_115823.3, residues 1803-1823): CVGRNECREI[Pro1813Leu]NVCSHGDCMD